The following is an entry in ClinVar:

NM_001267550.2(TTN):c.5896A>G (p.Arg1966Gly)

Gene: TTN (titin; minus strand). Cytogenetic location: 2q31.2.
Variant type: single nucleotide variant.
Coding change: c.5896A>G on transcript NM_001267550.2 (MANE Select); coding-DNA position 5896, A replaced by G.
Protein change: p.Arg1966Gly; replaces arginine 1966 with glycine.
Molecular consequence: missense variant.
Genome position (GRCh38, 1-based): chr2:178,775,968, T>C on the plus strand (A>G on the coding strand, the complement: TTN is on the minus strand). VCF-style: chr2-178775968-T-C. GRCh37 (hg19) VCF-style: chr2-179640695-T-C.
Other names: c.5758A>G, p.Arg1920Gly (NM_003319.4, NM_133432.3, NM_133437.4); c.5896A>G, p.Arg1966Gly (NM_133378.4, NM_133379.5, NM_001256850.1); short protein forms R1966G, R1920G.
Identifiers: ClinVar variation 516800 (VCV000516800.1), dbSNP rs1554006161, ClinGen allele CA349445795.

ClinVar aggregate classification (germline): Likely benign (1 of 4 stars; one submission).

Submission:

GeneDx
Classification: Likely benign. Last evaluated: 2018-02-06. Review status: criteria provided, single submitter. Criteria: GeneDx Variant Classification (06012015). Collection method: clinical testing. Allele origin: germline. Affected: yes.
Comment: This variant is considered likely benign or benign based on one or more of the following criteria: it is a conservative change, it occurs at a poorly conserved position in the protein, it is predicted to be benign by multiple in silico algorithms, and/or has population frequency not consistent with disease.